The following is an entry in ClinVar:

NM_025243.4(SLC19A3):c.507C>G (p.Tyr169Ter)

Gene: SLC19A3 (solute carrier family 19 member 3; minus strand). Cytogenetic location: 2q36.3.
Variant type: single nucleotide variant.
Coding change: c.507C>G on transcript NM_025243.4 (MANE Select); coding-DNA position 507, C replaced by G.
Protein change: p.Tyr169Ter; replaces tyrosine 169 with a stop codon.
Molecular consequence: nonsense.
Genome position (GRCh38, 1-based): chr2:227,699,208, G>C on the plus strand (C>G on the coding strand, the complement: SLC19A3 is on the minus strand). VCF-style: chr2-227699208-G-C. GRCh37 (hg19) VCF-style: chr2-228563924-G-C.
Other names: c.507C>G, p.Tyr169Ter (NM_001371411.1, NM_001371412.1); c.495C>G, p.Tyr165Ter (NM_001371413.1, NM_001371414.1); short protein forms Y165*, Y169*.
Identifiers: ClinVar variation 2734426 (VCV002734426.3), dbSNP rs2470573722, ClinGen allele CA350877079.

ClinVar aggregate classification (germline): Pathogenic (1 of 4 stars; one submission).

Conditions:
Biotin-responsive basal ganglia disease (BTBGD). Also called: Thiamine Transporter-2 Deficiency; THIAMINE METABOLISM DYSFUNCTION SYNDROME 2 (BIOTIN- AND THIAMINE-RESPONSIVE TYPE); Thiamine metabolism dysfunction syndrome type 2; thiamine-responsive encephalopathy; Thiamine metabolism dysfunction syndrome 2 (biotin- or thiamine-responsive encephalopathy type 2). Identifiers: Orphanet 199348, Orphanet 65284, MedGen C1843807, MONDO:0011841, OMIM 607483.

Submission:

Labcorp Genetics (formerly Invitae), Labcorp
Classification: Pathogenic for Biotin-responsive basal ganglia disease. Last evaluated: 2023-02-22. Review status: criteria provided, single submitter. Criteria: Invitae Variant Classification Sherloc (09022015). Collection method: clinical testing. Allele origin: germline.
Comment: For these reasons, this variant has been classified as Pathogenic. This premature translational stop signal has been observed in individual(s) with SLC19A3-related conditions (PMID: 23482991). This variant is not present in population databases (gnomAD no frequency). This sequence change creates a premature translational stop signal (p.Tyr169*) in the SLC19A3 gene. It is expected to result in an absent or disrupted protein product. Loss-of-function variants in SLC19A3 are known to be pathogenic (PMID: 23423671, 23482991).

Literature cited by the submitters: PubMed 23482991; PubMed 23423671.